The following is an entry in ClinVar:

NM_001943.5(DSG2):c.2300_2304del (p.Leu767fs)

Genes: DSG2 (desmoglein 2; plus strand), DSG2-AS1 (DSG2 antisense RNA 1; minus strand). Cytogenetic location: 18q12.1.
Variant type: Deletion.
Coding change: c.2300_2304del on transcript NM_001943.5 (MANE Select); coding-DNA positions 2300 to 2304, 5 bases deleted (TGAAC; older notation c.2300_2304delTGAAC).
Protein change: p.Leu767fs; shifts the reading frame from leucine 767.
Molecular consequence: frameshift variant.
Genome position (GRCh38, 1-based): chr18:31,542,818-31,542,822, TGAAC deleted; deleting any 5 consecutive bases within chr18:31,542,816-31,542,822 gives the same sequence; the c. name uses the placement nearest the transcript's 3' end. VCF-style (leftmost placement, unchanged base first): chr18-31542815-CACTGA-C. GRCh37 (hg19) VCF-style: chr18-29122778-CACTGA-C.
Other names: short protein forms L767fs.
Identifiers: ClinVar variation 3234096 (VCV003234096.1), dbSNP rs2510920856, ClinGen allele CA2825002683.

ClinVar aggregate classification (germline): Likely pathogenic (1 of 4 stars; one submission).

Conditions:
Arrhythmogenic right ventricular dysplasia 10. Also called: Arrhythmogenic Right Ventricular Dysplasia/Cardiomyopathy10; ARRHYTHMOGENIC RIGHT VENTRICULAR DYSPLASIA, FAMILIAL, 10; Arrhythmogenic right ventricular dysplasia/cardiomyopathy, type 10. Identifiers: MedGen C1857777, MONDO:0012434, OMIM 610193.

Submission:

MVZ Medizinische Genetik Mainz
Classification: Likely pathogenic for Arrhythmogenic right ventricular dysplasia 10. Last evaluated: 2022-06-27. Review status: criteria provided, single submitter. Criteria: UK Practice Guidelines For Variant Classification V4 01 2020. Collection method: clinical testing. Allele origin: germline. Inheritance: Autosomal dominant inheritance. Affected: yes. Observed: 1 variant allele.
Comment: ACMG Criteria: PVS1, PM2_SUP